The following is an entry in ClinVar:

ClinVar aggregate classification (germline): Uncertain significance (1 of 4 stars; one submission).

gnomAD v4.1: 108 of 1,614,082 alleles (0.0067%); highest among the groups gnomAD compares: Non-Finnish European, 0.0011%; no homozygotes.

Submission:

Labcorp Genetics (formerly Invitae), Labcorp
Classification: Uncertain significance. Last evaluated: 2026-01-27. Review status: criteria provided, single submitter. Criteria: Invitae Variant Classification Sherloc (09022015). Collection method: clinical testing. Allele origin: germline.
Comment: This sequence change replaces serine, which is neutral and polar, with arginine, which is basic and polar, at codon 34 of the ACACA protein (p.Ser34Arg). This variant is present in population databases (rs199617800, gnomAD 0.2%), and has an allele count higher than expected for a pathogenic variant. This variant has not been reported in the literature in individuals affected with ACACA-related conditions. An algorithm developed to predict the effect of missense changes on protein structure and function (PolyPhen-2) suggests that this variant is likely to be tolerated. In summary, the available evidence is currently insufficient to determine the role of this variant in disease. Therefore, it has been classified as a Variant of Uncertain Significance.

NM_198834.3(ACACA):c.213C>G (p.Ser71Arg)

Gene: ACACA (acetyl-CoA carboxylase alpha; minus strand). Cytogenetic location: 17q12.
Variant type: single nucleotide variant.
Coding change: c.213C>G on transcript NM_198834.3 (MANE Select); coding-DNA position 213, C replaced by G.
Protein change: p.Ser71Arg; replaces serine 71 with arginine.
Molecular consequence: missense variant.
Genome position (GRCh38, 1-based): chr17:37,330,298, G>C on the plus strand (C>G on the coding strand, the complement: ACACA is on the minus strand). VCF-style: chr17-37330298-G-C. GRCh37 (hg19) VCF-style: chr17-35687238-G-C.
Other names: c.102C>G, p.Ser34Arg (NM_198836.3, NM_198839.3); short protein forms S71R, S34R.
Identifiers: ClinVar variation 4707866 (VCV004707866.1).